The following is an entry in ClinVar:

NM_001395656.1(ROBO2):c.*1783C>T

Gene: ROBO2 (roundabout guidance receptor 2; plus strand). Cytogenetic location: 3p12.3.
Variant type: single nucleotide variant.
Coding change: c.*1783C>T on transcript NM_001395656.1 (MANE Select); 1783 bases downstream of the stop codon, C replaced by T.
Molecular consequence: 3 prime UTR variant.
Genome position (GRCh38, 1-based): chr3:77,647,838, C>T. VCF-style: chr3-77647838-C-T. GRCh37 (hg19) VCF-style: chr3-77696989-C-T.
Other names: c.*1783C>T (NM_001128929.3, NM_001290039.2, NM_001290040.2 and 14 more transcripts); c.*1780C>T (NM_001378194.1, NM_001378196.1, NM_001378199.1 and 3 more transcripts).
Identifiers: ClinVar variation 901018 (VCV000901018.5), dbSNP rs555730673, ClinGen allele CA77533945.

ClinVar aggregate classification (germline): Benign (1 of 4 stars; one submission).

Conditions:
Vesicoureteral reflux 2 (VUR2). Identifiers: Orphanet 289365, MedGen C1970483, MONDO:0012573, OMIM 610878.

Allele frequency attached by ClinVar (database versions not stated): 1000 Genomes Project 0.00120; TOPMed 0.00144; 1000 Genomes Project 30x 0.00172.
gnomAD v4.1: 185 of 152,224 alleles (0.12%); highest among the groups gnomAD compares: African/African-American, 0.42%; no homozygotes.

Submission:

Illumina Laboratory Services, Illumina
Classification: Benign for Vesicoureteral reflux 2. Last evaluated: 2018-01-13. Review status: criteria provided, single submitter. Criteria: ICSL Variant Classification Criteria 13 December 2019. Collection method: clinical testing. Allele origin: germline.
Comment: This variant was observed in the ICSL laboratory as part of a predisposition screen in an ostensibly healthy population. It had not been previously curated by ICSL or reported in the Human Gene Mutation Database (HGMD: prior to June 1st, 2018), and was therefore a candidate for classification through an automated scoring system. Utilizing variant allele frequency, disease prevalence and penetrance estimates, and inheritance mode, an automated score was calculated to assess if this variant is too frequent to cause the disease. Based on the score and internal cut-off values, a variant classified as benign is not then subjected to further curation. The score for this variant resulted in a classification of benign for this disease.